The following is an entry in ClinVar:

NM_001009944.3(PKD1):c.1636G>A (p.Val546Met)

Gene: PKD1 (polycystin 1, transient receptor potential channel interacting; minus strand). Cytogenetic location: 16p13.3.
Variant type: single nucleotide variant.
Coding change: c.1636G>A on transcript NM_001009944.3 (MANE Select); coding-DNA position 1636, G replaced by A.
Protein change: p.Val546Met; replaces valine 546 with methionine.
Molecular consequence: missense variant.
Genome position (GRCh38, 1-based): chr16:2,116,615, C>T on the plus strand (G>A on the coding strand, the complement: PKD1 is on the minus strand). VCF-style: chr16-2116615-C-T. GRCh37 (hg19) VCF-style: chr16-2166616-C-T.
Other names: c.1636G>A, p.Val546Met (NM_000296.4); short protein forms V546M.
Identifiers: ClinVar variation 3901753 (VCV003901753.1).

ClinVar aggregate classification (germline): Uncertain significance (1 of 4 stars; one submission).

Submission:

GeneDx
Classification: Uncertain significance. Last evaluated: 2024-12-06. Review status: criteria provided, single submitter. Criteria: GeneDx Variant Classification Process June 2021. Collection method: clinical testing. Allele origin: germline. Affected: yes.
Comment: In silico analysis indicates that this missense variant does not alter protein structure/function; Has not been previously published as pathogenic or benign to our knowledge